The following is an entry in ClinVar:

NM_000179.3(MSH6):c.3694G>C (p.Val1232Leu)

Gene: MSH6 (mutS homolog 6; plus strand). Cytogenetic location: 2p16.3.
Variant type: single nucleotide variant.
Coding change: c.3694G>C on transcript NM_000179.3 (MANE Select); coding-DNA position 3694, G replaced by C.
Protein change: p.Val1232Leu; replaces valine 1232 with leucine.
Molecular consequence: missense variant.
Genome position (GRCh38, 1-based): chr2:47,806,251, G>C. VCF-style: chr2-47806251-G-C. GRCh37 (hg19) VCF-style: chr2-48033390-G-C.
Other names: c.3304G>C, p.Val1102Leu (NM_001281492.2); c.2788G>C, p.Val930Leu (NM_001281493.2, NM_001281494.2); short protein forms V1232L, V1102L, V930L.
Identifiers: ClinVar variation 89447 (VCV000089447.15), dbSNP rs41295276, ClinGen allele CA013865.
Genomic context (GRCh38, chr2:47,806,251, plus strand): 5'-TTTACTTTAACAGGAAGAGGTACTGCAACATTTGATGGGACGGCAATAGCAAATGCAGTT[G>C]TTAAAGAACTTGCTGAGACTATAAAATGTCGTACATTATTTTCAACTCACTACCATTCAT-3'
Protein context (NP_000170.1, residues 1222-1242): FDGTAIANAV[Val1232Leu]KELAETIKCR

ClinVar aggregate classification (germline): Uncertain significance. Review status: criteria provided, multiple submitters, no conflicts (2 of 4 stars). 2 submissions from 2 submitters: Uncertain significance (2). Last evaluated 2026-01-05.

Conditions:
Hereditary nonpolyposis colorectal neoplasms. Identifiers: MedGen C0009405, MeSH D003123.
Hereditary cancer-predisposing syndrome. Also called: Tumor predisposition; Hereditary Cancer Syndrome; Hereditary neoplastic syndrome; Neoplastic Syndromes, Hereditary. Identifiers: Orphanet 140162, MedGen C0027672, MeSH D009386, MONDO:0015356.

Submissions (2):

Labcorp Genetics (formerly Invitae), Labcorp
Classification: Uncertain significance for Hereditary nonpolyposis colorectal neoplasms. Last evaluated: 2026-01-05. Review status: criteria provided, single submitter. Criteria: Invitae Variant Classification Sherloc (09022015). Collection method: clinical testing. Allele origin: germline.
Comment: This sequence change replaces valine, which is neutral and non-polar, with leucine, which is neutral and non-polar, at codon 1232 of the MSH6 protein (p.Val1232Leu). This variant is not present in population databases (gnomAD no frequency). This missense change has been observed in individual(s) with colorectal cancer (PMID: 18033691). ClinVar contains an entry for this variant (Variation ID: 89447). Invitae Evidence Modeling of protein sequence and biophysical properties (such as structural, functional, and spatial information, amino acid conservation, physicochemical variation, residue mobility, and thermodynamic stability) indicates that this missense variant is not expected to disrupt MSH6 protein function with a negative predictive value of 95%. In summary, the available evidence is currently insufficient to determine the role of this variant in disease. Therefore, it has been classified as a Variant of Uncertain Significance.

Ambry Genetics
Classification: Uncertain significance for Hereditary cancer-predisposing syndrome. Last evaluated: 2020-09-21. Review status: criteria provided, single submitter. Criteria: Ambry Variant Classification Scheme 2023. Collection method: clinical testing. Allele origin: germline.
Comment: The p.V1232L variant (also known as c.3694G>C), located in coding exon 8 of the MSH6 gene, results from a G to C substitution at nucleotide position 3694. The valine at codon 1232 is replaced by leucine, an amino acid with highly similar properties. In a population based sample of 932 individuals with colorectal cancer diagnosed under age 55 years, this alteration was detected in one case and zero of 1000 controls (Barnetson RA, Hum. Mutat. 2008 Mar; 29(3):367-74). This amino acid position is highly conserved in available vertebrate species. In addition, this alteration is predicted to be deleterious by in silico analysis. Since supporting evidence is limited at this time, the clinical significance of this alteration remains unclear.

Literature cited by the submitters: PubMed 18033691 (cited by Labcorp Genetics (formerly Invitae), Labcorp and Ambry Genetics).